The following is an entry in ClinVar:

NM_004656.4(BAP1):c.1141G>A (p.Val381Met)

Gene: BAP1 (BRCA1 associated deubiquitinase 1; minus strand). Cytogenetic location: 3p21.1.
Variant type: single nucleotide variant.
Coding change: c.1141G>A on transcript NM_004656.4 (MANE Select); coding-DNA position 1141, G replaced by A.
Protein change: p.Val381Met; replaces valine 381 with methionine.
Molecular consequence: missense variant.
Genome position (GRCh38, 1-based): chr3:52,404,562, C>T on the plus strand (G>A on the coding strand, the complement: BAP1 is on the minus strand). VCF-style: chr3-52404562-C-T. GRCh37 (hg19) VCF-style: chr3-52438578-C-T.
Other names: c.1087G>A, p.Val363Met (NM_001410772.1); short protein forms V381M, V363M.
Identifiers: ClinVar variation 2585679 (VCV002585679.5), dbSNP rs2153226883, ClinGen allele CA353103360.

ClinVar aggregate classification (germline): Conflicting classifications of pathogenicity. Review status: criteria provided, conflicting classifications (1 of 4 stars). 2 submissions from 2 submitters: Uncertain significance (1); Benign (1). Last evaluated 2025-11-13.

Conditions:
Hereditary cancer-predisposing syndrome. Also called: Hereditary neoplastic syndrome; Tumor predisposition; Hereditary Cancer Syndrome; Neoplastic Syndromes, Hereditary. Identifiers: Orphanet 140162, MedGen C0027672, MeSH D009386, MONDO:0015356.
BAP1-related tumor predisposition syndrome (TPDS1). Also called: BAP1 tumor predisposition syndrome; COMMON Syndrome; TUMOR PREDISPOSITION SYNDROME 1; Tumor susceptibility linked to germline BAP1 mutations. Identifiers: Orphanet 289539, MedGen C3280492, MONDO:0013692, OMIM 614327.

Submissions (2):

Ambry Genetics
Classification: Benign for Hereditary cancer-predisposing syndrome. Last evaluated: 2025-11-13. Review status: criteria provided, single submitter. Criteria: Ambry Variant Classification Scheme 2023. Collection method: clinical testing. Allele origin: germline.

Labcorp Genetics (formerly Invitae), Labcorp
Classification: Uncertain significance for BAP1-related tumor predisposition syndrome. Last evaluated: 2024-08-19. Review status: criteria provided, single submitter. Criteria: Invitae Variant Classification Sherloc (09022015). Collection method: clinical testing. Allele origin: germline.
Comment: This sequence change replaces valine, which is neutral and non-polar, with methionine, which is neutral and non-polar, at codon 381 of the BAP1 protein (p.Val381Met). This variant is not present in population databases (gnomAD no frequency). This variant has not been reported in the literature in individuals affected with BAP1-related conditions. ClinVar contains an entry for this variant (Variation ID: 2585679). Invitae Evidence Modeling of protein sequence and biophysical properties (such as structural, functional, and spatial information, amino acid conservation, physicochemical variation, residue mobility, and thermodynamic stability) indicates that this missense variant is not expected to disrupt BAP1 protein function with a negative predictive value of 80%. In summary, the available evidence is currently insufficient to determine the role of this variant in disease. Therefore, it has been classified as a Variant of Uncertain Significance.

Literature cited by the submitters: PubMed 38969833 (cited by Ambry Genetics).